The following is an entry in ClinVar:

ClinVar aggregate classification (germline): Likely benign (0 of 4 stars; one submission).

Conditions:
PLEKHA7-related disorder. Also called: PLEKHA7-related condition.

gnomAD v4.1: 602 of 1,612,036 alleles (0.037%); highest among the groups gnomAD compares: Non-Finnish European, 0.048%; 1 homozygote.

Submissions (2):

PreventionGenetics, part of Exact Sciences
Classification: Likely benign for PLEKHA7-related condition. Last evaluated: 2024-08-07. Review status: no assertion criteria provided. Collection method: clinical testing. Allele origin: germline.
Comment: This variant is classified as likely benign based on ACMG/AMP sequence variant interpretation guidelines (Richards et al. 2015 PMID: 25741868, with internal and published modifications).

Dr. Peter K. Rogan Lab, Western University
No classification provided (evidence only). Condition: Malignant tumor of esophagus. Review status: no classification provided. Collection method: in vitro. Allele origin: not applicable. Functional consequence: retained intron. Not counted in ClinVar's aggregate classification.

NM_001329630.2(PLEKHA7):c.1713G>A (p.Ser571=)

Gene: PLEKHA7 (pleckstrin homology domain containing A7; minus strand). Cytogenetic location: 11p15.2.
Variant type: single nucleotide variant.
Coding change: c.1713G>A on transcript NM_001329630.2 (MANE Select); coding-DNA position 1713, G replaced by A.
Protein change: p.Ser571=; no amino-acid change (serine 571 retained).
Molecular consequence: synonymous variant.
Genome position (GRCh38, 1-based): chr11:16,816,953, C>T on the plus strand (G>A on the coding strand, the complement: PLEKHA7 is on the minus strand). VCF-style: chr11-16816953-C-T. GRCh37 (hg19) VCF-style: chr11-16838500-C-T.
Other names: NC_000011.9:g.16838500C>T; c.1713G>A, p.Ser571= (NM_001329631.2, NM_001410960.1, NM_175058.5).
Identifiers: ClinVar variation 3352160 (VCV003352160.2).
Genomic context (GRCh38, chr11:16,816,953, plus strand): 5'-TGCTGGTGTGTGTGGCCGCCGGGGTGGGAAGACCCTTGGGGGTCCTGGGGGAGGGATGTC[C>T]GAGGGAGATGGAGGCACAGAGATGGAGCGGGGCACCTCTAGCATGCTCCTGCTCCGGCCC-3'
Protein context (NP_001316559.1, residues 561-581): PRSISVPPSP[Ser571=]DIPPPGPPRV